The following is an entry in ClinVar:

ClinVar aggregate classification (germline): Uncertain significance (1 of 4 stars; one submission).

Allele frequency attached by ClinVar (database versions not stated): gnomAD exomes below 0.00001.
gnomAD v4.1: 1 of 1,611,174 alleles (0.000062%); highest among the groups gnomAD compares: Non-Finnish European, 0.000085%; no homozygotes.

Submission:

GeneDx
Classification: Uncertain significance. Last evaluated: 2022-03-02. Review status: criteria provided, single submitter. Criteria: GeneDx Variant Classification Process June 2021. Collection method: clinical testing. Allele origin: germline. Affected: yes.
Comment: Not observed at significant frequency in large population cohorts (gnomAD); In silico analysis supports that this missense variant has a deleterious effect on protein structure/function; Has not been previously published as pathogenic or benign to our knowledge; This variant is associated with the following publications: (PMID: 27535533)

NM_005529.7(HSPG2):c.1650C>G (p.Phe550Leu)

Gene: HSPG2 (heparan sulfate proteoglycan 2; minus strand). Cytogenetic location: 1p36.12.
Variant type: single nucleotide variant.
Coding change: c.1650C>G on transcript NM_005529.7 (MANE Select); coding-DNA position 1650, C replaced by G.
Protein change: p.Phe550Leu; replaces phenylalanine 550 with leucine.
Molecular consequence: missense variant.
Genome position (GRCh38, 1-based): chr1:21,884,532, G>C on the plus strand (C>G on the coding strand, the complement: HSPG2 is on the minus strand). VCF-style: chr1-21884532-G-C. GRCh37 (hg19) VCF-style: chr1-22211025-G-C.
Other names: c.1653C>G, p.Phe551Leu (NM_001291860.2); short protein forms F550L, F551L.
Identifiers: ClinVar variation 1526353 (VCV001526353.2), dbSNP rs373705708, ClinGen allele CA338966545.